The following is an entry in ClinVar:

ClinVar aggregate classification (germline): Benign. Review status: criteria provided, multiple submitters, no conflicts (2 of 4 stars). 3 submissions from 3 submitters: Benign (2). 1 of the submissions does not count toward it. Last evaluated 2026-01-26.

Conditions:
FASN-related disorder. Also called: FASN-related condition.
Epileptic encephalopathy. Identifiers: MedGen C0543888, HP:0200134.

Allele frequency attached by ClinVar (database versions not stated): gnomAD exomes 0.00210; ExAC 0.00244; 1000 Genomes Project 30x 0.00453; 1000 Genomes Project 0.00539; ESP Exome Variant Server 0.00547; gnomAD 0.00621 and 0.00666; TOPMed 0.00731.
gnomAD v4.1: 2,371 of 1,612,620 alleles (0.15%); highest among the groups gnomAD compares: African/African-American, 2%; 23 homozygotes.

Submissions (3):

Labcorp Genetics (formerly Invitae), Labcorp
Classification: Benign for Epileptic encephalopathy. Last evaluated: 2026-01-26. Review status: criteria provided, single submitter. Criteria: Invitae Variant Classification Sherloc (09022015). Collection method: clinical testing. Allele origin: germline.

Breakthrough Genomics
Classification: Benign. Review status: criteria provided, single submitter. Criteria: ACMG Guidelines, 2015. Collection method: not provided. Allele origin: germline. Inheritance: Unknown mechanism. Affected: yes.

PreventionGenetics, part of Exact Sciences
Classification: Benign for FASN-related condition. Last evaluated: 2019-08-09. Review status: no assertion criteria provided. Collection method: clinical testing. Allele origin: germline. Not counted in ClinVar's aggregate classification.
Comment: This variant is classified as benign based on ACMG/AMP sequence variant interpretation guidelines (Richards et al. 2015 PMID: 25741868, with internal and published modifications).

NM_004104.5(FASN):c.5337G>A (p.Pro1779=)

Gene: FASN (fatty acid synthase; minus strand). Cytogenetic location: 17q25.3.
Variant type: single nucleotide variant.
Coding change: c.5337G>A on transcript NM_004104.5 (MANE Select); coding-DNA position 5337, G replaced by A.
Protein change: p.Pro1779=; no amino-acid change (proline 1779 retained).
Molecular consequence: synonymous variant.
Genome position (GRCh38, 1-based): chr17:82,083,521, C>T on the plus strand (G>A on the coding strand, the complement: FASN is on the minus strand). VCF-style: chr17-82083521-C-T. GRCh37 (hg19) VCF-style: chr17-80041397-C-T.
Identifiers: ClinVar variation 462069 (VCV000462069.15), dbSNP rs115708196, ClinGen allele CA8851742.